The following is an entry in ClinVar:

NM_001845.6(COL4A1):c.1939C>A (p.Pro647Thr)

Gene: COL4A1 (collagen type IV alpha 1 chain; minus strand). Cytogenetic location: 13q34.
Variant type: single nucleotide variant.
Coding change: c.1939C>A on transcript NM_001845.6 (MANE Select); coding-DNA position 1939, C replaced by A.
Protein change: p.Pro647Thr; replaces proline 647 with threonine.
Molecular consequence: missense variant.
Genome position (GRCh38, 1-based): chr13:110,183,235, G>T on the plus strand (C>A on the coding strand, the complement: COL4A1 is on the minus strand). VCF-style: chr13-110183235-G-T. GRCh37 (hg19) VCF-style: chr13-110835582-G-T.
Other names: short protein forms P647T.
Identifiers: ClinVar variation 3626457 (VCV003626457.2).
Genomic context (GRCh38, chr13:110,183,235, plus strand): 5'-CAATCGTACCTTGGGGACCTGGGAAGCCTGGGGACCCCGGCAGTCCTTCTGCTCCAGGGG[G>T]GCCTGGTAAAGGAACAATTTTTCCTGGTTCACCCTTTGGACCTAGAGGAAAAAAAGAGCA-3'
Protein context (NP_001836.3, residues 637-657): EPGKIVPLPG[Pro647Thr]PGAEGLPGSP

ClinVar aggregate classification (germline): Uncertain significance (1 of 4 stars; one submission).

Submission:

Labcorp Genetics (formerly Invitae), Labcorp
Classification: Uncertain significance. Last evaluated: 2024-04-12. Review status: criteria provided, single submitter. Criteria: Invitae Variant Classification Sherloc (09022015). Collection method: clinical testing. Allele origin: germline.
Comment: This sequence change replaces proline, which is neutral and non-polar, with threonine, which is neutral and polar, at codon 647 of the COL4A1 protein (p.Pro647Thr). This variant is not present in population databases (gnomAD no frequency). This variant has not been reported in the literature in individuals affected with COL4A1-related conditions. An algorithm developed to predict the effect of missense changes on protein structure and function (PolyPhen-2) suggests that this variant is likely to be tolerated. In summary, the available evidence is currently insufficient to determine the role of this variant in disease. Therefore, it has been classified as a Variant of Uncertain Significance.